The following is an entry in ClinVar:

NM_000135.4(FANCA):c.3853T>C (p.Phe1285Leu)

Genes: ZNF276 (zinc finger protein 276; plus strand), FANCA (FA complementation group A; minus strand). Cytogenetic location: 16q24.3.
Variant type: single nucleotide variant.
Coding change: c.3853T>C on transcript NM_000135.4 (MANE Select); coding-DNA position 3853, T replaced by C.
Protein change: p.Phe1285Leu; replaces phenylalanine 1285 with leucine.
Molecular consequence: missense variant. On other transcripts: 3 prime UTR variant (2), non-coding transcript variant (4).
Genome position (GRCh38, 1-based): chr16:89,740,075, A>G on the plus strand (T>C on the coding strand, the complement: FANCA is on the minus strand). VCF-style: chr16-89740075-A-G. GRCh37 (hg19) VCF-style: chr16-89806483-A-G.
Other names: c.3853T>C, p.Phe1285Leu (NM_001286167.3); c.*1829A>G (NM_001113525.2, NM_152287.4); short protein forms F1285L.
Identifiers: ClinVar variation 1410402 (VCV001410402.5), dbSNP rs1470679036, ClinGen allele CA397485068.

ClinVar aggregate classification (germline): Uncertain significance (1 of 4 stars; one submission).

Conditions:
Fanconi anemia (FA). Also called: Fanconi's anemia. Identifiers: Orphanet 84, MedGen C0015625, MeSH D005199, MONDO:0019391.

Allele frequency attached by ClinVar (database versions not stated): gnomAD exomes below 0.00001 and 0.00001.
gnomAD v4.1: 6 of 1,614,188 alleles (0.00037%); highest among the groups gnomAD compares: Non-Finnish European, 0.00051%; no homozygotes.

Submission:

Labcorp Genetics (formerly Invitae), Labcorp
Classification: Uncertain significance for Fanconi anemia. Last evaluated: 2022-09-06. Review status: criteria provided, single submitter. Criteria: Invitae Variant Classification Sherloc (09022015). Collection method: clinical testing. Allele origin: germline.
Comment: This sequence change replaces phenylalanine, which is neutral and non-polar, with leucine, which is neutral and non-polar, at codon 1285 of the FANCA protein (p.Phe1285Leu). This variant is present in population databases (no rsID available, gnomAD 0.0009%). This variant has not been reported in the literature in individuals affected with FANCA-related conditions. ClinVar contains an entry for this variant (Variation ID: 1410402). Advanced modeling of protein sequence and biophysical properties (such as structural, functional, and spatial information, amino acid conservation, physicochemical variation, residue mobility, and thermodynamic stability) performed at Invitae indicates that this missense variant is not expected to disrupt FANCA protein function. In summary, the available evidence is currently insufficient to determine the role of this variant in disease. Therefore, it has been classified as a Variant of Uncertain Significance.